The following is an entry in ClinVar:

NM_175614.5(NDUFA11):c.4G>A (p.Ala2Thr)

Genes: NDUFA11 (NADH:ubiquinone oxidoreductase subunit A11; minus strand), LOC112552175 (Sharpr-MPRA regulatory region 9916; plus strand). Cytogenetic location: 19p13.3.
Variant type: single nucleotide variant.
Coding change: c.4G>A on transcript NM_175614.5 (MANE Select); coding-DNA position 4, G replaced by A.
Protein change: p.Ala2Thr; replaces alanine 2 with threonine.
Molecular consequence: missense variant. On other transcripts: non-coding transcript variant (1).
Genome position (GRCh38, 1-based): chr19:5,903,705, C>T on the plus strand (G>A on the coding strand, the complement: NDUFA11 is on the minus strand). VCF-style: chr19-5903705-C-T. GRCh37 (hg19) VCF-style: chr19-5903716-C-T.
Other names: c.4G>A, p.Ala2Thr (NM_001193375.3); short protein forms A2T.
Identifiers: ClinVar variation 1909557 (VCV001909557.5), dbSNP rs1226874837, ClinGen allele CA403545750.

ClinVar aggregate classification (germline): Uncertain significance (1 of 4 stars; one submission).

Allele frequency attached by ClinVar (database versions not stated): TOPMed below 0.00001.
gnomAD v4.1: 5 of 1,551,514 alleles (0.00032%); highest among the groups gnomAD compares: South Asian, 0.0012%; no homozygotes.

Submission:

Labcorp Genetics (formerly Invitae), Labcorp
Classification: Uncertain significance. Last evaluated: 2022-07-03. Review status: criteria provided, single submitter. Criteria: Invitae Variant Classification Sherloc (09022015). Collection method: clinical testing. Allele origin: germline.
Comment: In summary, the available evidence is currently insufficient to determine the role of this variant in disease. Therefore, it has been classified as a Variant of Uncertain Significance. Algorithms developed to predict the effect of missense changes on protein structure and function (SIFT, PolyPhen-2, Align-GVGD) all suggest that this variant is likely to be tolerated. This variant has not been reported in the literature in individuals affected with NDUFA11-related conditions. This variant is not present in population databases (gnomAD no frequency). This sequence change replaces alanine, which is neutral and non-polar, with threonine, which is neutral and polar, at codon 2 of the NDUFA11 protein (p.Ala2Thr).